The following is an entry in ClinVar:

NM_144670.6(A2ML1):c.2827A>G (p.Lys943Glu)

Gene: A2ML1 (alpha-2-macroglobulin like 1; plus strand). Cytogenetic location: 12p13.31.
Variant type: single nucleotide variant.
Coding change: c.2827A>G on transcript NM_144670.6 (MANE Select); coding-DNA position 2827, A replaced by G.
Protein change: p.Lys943Glu; replaces lysine 943 with glutamic acid.
Molecular consequence: missense variant.
Genome position (GRCh38, 1-based): chr12:8,855,571, A>G. VCF-style: chr12-8855571-A-G. GRCh37 (hg19) VCF-style: chr12-9008167-A-G.
Other names: c.1354A>G, p.Lys452Glu (NM_001282424.3); short protein forms K943E, K452E.
Identifiers: ClinVar variation 406203 (VCV000406203.10), dbSNP rs1060500994, ClinGen allele CA16614073.

ClinVar aggregate classification (germline): Uncertain significance (1 of 4 stars; one submission).

Allele frequency attached by ClinVar (database versions not stated): TOPMed below 0.00001; gnomAD 0.00001; gnomAD exomes 0.00001.
gnomAD v4.1: 4 of 1,614,030 alleles (0.00025%); highest among the groups gnomAD compares: Non-Finnish European, 0.00025%; no homozygotes.

Submission:

Labcorp Genetics (formerly Invitae), Labcorp
Classification: Uncertain significance. Last evaluated: 2022-02-10. Review status: criteria provided, single submitter. Criteria: Invitae Variant Classification Sherloc (09022015). Collection method: clinical testing. Allele origin: germline.
Comment: In summary, the available evidence is currently insufficient to determine the role of this variant in disease. Therefore, it has been classified as a Variant of Uncertain Significance. Algorithms developed to predict the effect of missense changes on protein structure and function output the following: SIFT: "Tolerated"; PolyPhen-2: "Benign"; Align-GVGD: "Class C0". The glutamic acid amino acid residue is found in multiple mammalian species, which suggests that this missense change does not adversely affect protein function. ClinVar contains an entry for this variant (Variation ID: 406203). This variant has not been reported in the literature in individuals affected with A2ML1-related conditions. This variant is present in population databases (no rsID available, gnomAD 0.002%). This sequence change replaces lysine, which is basic and polar, with glutamic acid, which is acidic and polar, at codon 943 of the A2ML1 protein (p.Lys943Glu).